The following is an entry in ClinVar:

ClinVar aggregate classification (germline): Pathogenic (3 of 4 stars; one submission).

Conditions:
Breast-ovarian cancer, familial, susceptibility to, 1 (BROVCA1). Also called: BRCA1 Hereditary Breast and Ovarian Cancer; OVARIAN CANCER, SUSCEPTIBILITY TO. Identifiers: Orphanet 145, MedGen C2676676, MONDO:0011450, OMIM 604370. Disease mechanism: loss of function.

Submission:

Evidence-based Network for the Interpretation of Germline Mutant Alleles (ENIGMA)
Classification: Pathogenic for Breast-ovarian cancer, familial, susceptibility to, 1. Last evaluated: 2017-12-15. Review status: reviewed by expert panel. Criteria: ENIGMA BRCA1/2 Classification Criteria (2017-06-29). Collection method: curation. Allele origin: germline. Study: ENIGMA.
Comment: Variant allele predicted to encode a truncated non-functional protein.

NM_007294.4(BRCA1):c.4610_4611insCC (p.Gln1537fs)

Gene: BRCA1 (BRCA1 DNA repair associated; minus strand). Cytogenetic location: 17q21.31.
Variant type: Insertion.
Coding change: c.4610_4611insCC on transcript NM_007294.4 (MANE Select); coding-DNA positions 4610 to 4611, CC inserted.
Protein change: p.Gln1537fs; shifts the reading frame from glutamine 1537.
Molecular consequence: frameshift variant. On other transcripts: non-coding transcript variant (1).
Genome position: GRCh38 VCF-style: chr17-43074395-T-TGG. GRCh37 (hg19) VCF-style: chr17-41226412-T-TGG.
Other names: c.1091_1092insCC, p.Gln364Hisfs (NM_001408479.1, NM_001408480.1, NM_001408478.1); c.1088_1089insCC, p.Gln363Hisfs (NM_001408481.1, NM_001408482.1, NM_001408483.1 and 5 more transcripts); c.1085_1086insCC, p.Gln362Hisfs (NM_001408492.1, NM_001408493.1); c.1061_1062insCC, p.Gln354Hisfs (NM_001408494.1); c.1055_1056insCC, p.Gln352Hisfs (NM_001408495.1); c.1037_1038insCC, p.Gln346Hisfs (NM_001408496.1, NM_001408497.1, NM_001408498.1 and 3 more transcripts); c.1034_1035insCC, p.Gln345Hisfs (NM_001408502.1, NM_001408503.1, NM_001408504.1); c.1031_1032insCC, p.Gln344Hisfs (NM_001408505.1); and 71 more; short protein forms Q1558fs, Q1537fs, Q1490fs, Q433fs.
Identifiers: ClinVar variation 548194 (VCV000548194.2), dbSNP rs1555581882, ClinGen allele CA658825012.
Genomic context (GRCh38, chr17:43,074,395, plus strand): 5'-ATCTTGCCTTGGCAAGTAAGATGTTTCCGTCAAATCGTGTGGCCCAGACTCTTCCAGCTG[T>TGG]TGCTCCTCCACATCAACAACCTTAATGAGCTCCTCTTGAGATGGGTAGTTTCTATTCTGA-3'